The following is an entry in ClinVar:

ClinVar aggregate classification (germline): Uncertain significance (1 of 4 stars; one submission).

gnomAD v4.1: 2 of 1,614,050 alleles (0.00012%); highest among the groups gnomAD compares: African/African-American, 0.0027%; no homozygotes.

Submission:

GeneDx
Classification: Uncertain significance. Last evaluated: 2024-03-23. Review status: criteria provided, single submitter. Criteria: GeneDx Variant Classification Process June 2021. Collection method: clinical testing. Allele origin: germline. Affected: yes.
Comment: Not observed at significant frequency in large population cohorts (gnomAD); In silico analysis supports that this missense variant has a deleterious effect on protein structure/function; Has not been previously published as pathogenic or benign to our knowledge

NM_001370658.1(BTD):c.1457T>C (p.Leu486Pro)

Gene: BTD (biotinidase; plus strand). Cytogenetic location: 3p25.1.
Variant type: single nucleotide variant.
Coding change: c.1457T>C on transcript NM_001370658.1 (MANE Select); coding-DNA position 1457, T replaced by C.
Protein change: p.Leu486Pro; replaces leucine 486 with proline.
Molecular consequence: missense variant. On other transcripts: intron variant (8).
Genome position (GRCh38, 1-based): chr3:15,645,373, T>C. VCF-style: chr3-15645373-T-C. GRCh37 (hg19) VCF-style: chr3-15686880-T-C.
Other names: c.1457T>C, p.Leu486Pro (NM_001281723.4, NM_001281724.3, NM_001281725.3 and 16 more transcripts); c.1015+442T>C (NM_001370752.1, NM_001407379.1); c.399+3316T>C (NM_001370753.1, NM_001407400.1, NM_001407380.1 and 3 more transcripts); short protein forms L486P.
Identifiers: ClinVar variation 3371444 (VCV003371444.1).